The following is an entry in ClinVar:

ClinVar aggregate classification (germline): Uncertain significance (1 of 4 stars; one submission).

Submission:

Labcorp Genetics (formerly Invitae), Labcorp
Classification: Uncertain significance. Last evaluated: 2021-02-03. Review status: criteria provided, single submitter. Criteria: Invitae Variant Classification Sherloc (09022015). Collection method: clinical testing. Allele origin: germline.
Comment: In summary, the available evidence is currently insufficient to determine the role of this variant in disease. Therefore, it has been classified as a Variant of Uncertain Significance. Algorithms developed to predict the effect of missense changes on protein structure and function output the following: SIFT: "Not Available"; PolyPhen-2: "Benign"; Align-GVGD: "Not Available". The threonine amino acid residue is found in multiple mammalian species, suggesting that this missense change does not adversely affect protein function. These predictions have not been confirmed by published functional studies and their clinical significance is uncertain. This variant has not been reported in the literature in individuals with SAMD9L-related conditions. This variant is not present in population databases (ExAC no frequency). This sequence change replaces methionine with threonine at codon 1275 of the SAMD9L protein (p.Met1275Thr). The methionine residue is moderately conserved and there is a moderate physicochemical difference between methionine and threonine.

NM_152703.5(SAMD9L):c.3824T>C (p.Met1275Thr)

Gene: SAMD9L (sterile alpha motif domain containing 9 like; minus strand). Cytogenetic location: 7q21.2.
Variant type: single nucleotide variant.
Coding change: c.3824T>C on transcript NM_152703.5 (MANE Select); coding-DNA position 3824, T replaced by C.
Protein change: p.Met1275Thr; replaces methionine 1275 with threonine.
Molecular consequence: missense variant.
Genome position (GRCh38, 1-based): chr7:93,132,148, A>G on the plus strand (T>C on the coding strand, the complement: SAMD9L is on the minus strand). VCF-style: chr7-93132148-A-G. GRCh37 (hg19) VCF-style: chr7-92761461-A-G.
Other names: c.3824T>C, p.Met1275Thr (NM_001303496.3, NM_001303497.3, NM_001303498.3 and 5 more transcripts); short protein forms M1275T.
Identifiers: ClinVar variation 1492594 (VCV001492594.6), dbSNP rs2116475597, ClinGen allele CA368179766.